The following is an entry in ClinVar:

NM_006946.4(SPTBN2):c.6391C>T (p.Pro2131Ser)

Gene: SPTBN2 (spectrin beta, non-erythrocytic 2; minus strand). Cytogenetic location: 11q13.2.
Variant type: single nucleotide variant.
Coding change: c.6391C>T on transcript NM_006946.4 (MANE Select); coding-DNA position 6391, C replaced by T.
Protein change: p.Pro2131Ser; replaces proline 2131 with serine.
Molecular consequence: missense variant.
Genome position (GRCh38, 1-based): chr11:66,688,063, G>A on the plus strand (C>T on the coding strand, the complement: SPTBN2 is on the minus strand). VCF-style: chr11-66688063-G-A. GRCh37 (hg19) VCF-style: chr11-66455534-G-A.
Other names: c.6412C>T, p.Pro2138Ser (NM_001411025.1); c.6391C>T (NM_006946.2); short protein forms P2131S, P2138S.
Identifiers: ClinVar variation 3336249 (VCV003336249.2).

ClinVar aggregate classification (germline): Uncertain significance. Review status: criteria provided, multiple submitters, no conflicts (2 of 4 stars). 2 submissions from 2 submitters: Uncertain significance (2). Last evaluated 2024-05-02.

gnomAD v4.1: 12 of 1,614,012 alleles (0.00074%); highest among the groups gnomAD compares: Non-Finnish European, 0.001%; no homozygotes.

Submissions (2):

Women's Health and Genetics/Laboratory Corporation of America, LabCorp
Classification: Uncertain significance. Last evaluated: 2024-05-02. Review status: criteria provided, single submitter. Criteria: LabCorp Variant Classification Summary - May 2015. Collection method: clinical testing. Allele origin: germline.
Comment: Variant summary: SPTBN2 c.6391C>T (p.Pro2131Ser) results in a non-conservative amino acid change in the encoded protein sequence. Four of five in-silico tools predict a benign effect of the variant on protein function. The variant was absent in 251366 control chromosomes. The available data on variant occurrences in the general population are insufficient to allow any conclusion about variant significance. To our knowledge, no occurrence of c.6391C>T in individuals affected with Spinocerebellar Ataxia 5 and no experimental evidence demonstrating its impact on protein function have been reported. No submitters have cited clinical-significance assessments for this variant to ClinVar. Based on the evidence outlined above, the variant was classified as uncertain significance.

GeneDx
Classification: Uncertain significance. Last evaluated: 2023-11-22. Review status: criteria provided, single submitter. Criteria: GeneDx Variant Classification Process June 2021. Collection method: clinical testing. Allele origin: germline. Affected: yes.
Comment: In silico analysis supports that this missense variant does not alter protein structure/function; Has not been previously published as pathogenic or benign to our knowledge